The following is an entry in ClinVar:

NM_000179.3(MSH6):c.2437_2440delinsTT (p.Lys813fs)

Gene: MSH6 (mutS homolog 6; plus strand). Cytogenetic location: 2p16.3.
Variant type: Indel.
Coding change: c.2437_2440delinsTT on transcript NM_000179.3 (MANE Select); coding-DNA positions 2437 to 2440, AAGA replaced by TT.
Protein change: p.Lys813fs; shifts the reading frame from lysine 813.
Molecular consequence: frameshift variant.
Genome position (GRCh38, 1-based): chr2:47,800,420-47,800,423, AAGA replaced by TT. VCF-style: chr2-47800420-AAGA-TT. GRCh37 (hg19) VCF-style: chr2-48027559-AAGA-TT.
Other names: c.2047_2050delinsTT, p.Lys683fs (NM_001281492.2); c.1531_1534delinsTT, p.Lys511fs (NM_001281493.2, NM_001281494.2); c.2533_2536delAAGAinsTT, p.Lys845Leufs (NM_001406795.1, NM_001406802.1); c.2437_2440delAAGAinsTT, p.Lys813Leufs (NM_001406796.1, NM_001406798.1, NM_001406800.1 and 2 more transcripts); c.2140_2143delAAGAinsTT, p.Lys714Leufs (NM_001406797.1, NM_001406801.1, NM_001406805.1 and 10 more transcripts); c.1912_1915delAAGAinsTT, p.Lys638Leufs (NM_001406799.1, NM_001406806.1, NM_001406807.1); c.2359_2362delAAGAinsTT, p.Lys787Leufs (NM_001406804.1); c.1531_1534delAAGAinsTT, p.Lys511Leufs (NM_001406811.1, NM_001406812.1, NM_001406814.1 and 4 more transcripts); and 2 more; short protein forms K813fs, K511fs, K683fs.
Identifiers: ClinVar variation 1704486 (VCV001704486.3), dbSNP rs2530672426, ClinGen allele CA2580067913.

ClinVar aggregate classification (germline): Pathogenic/Likely pathogenic. Review status: criteria provided, multiple submitters, no conflicts (2 of 4 stars). 3 submissions from 3 submitters: Pathogenic (2); Likely pathogenic (1). Last evaluated 2025-07-07.

Conditions:
Hereditary nonpolyposis colon cancer (HNPCC). Also called: Hereditary Nonpolyposis Colorectal Cancer Syndrome; Hereditary nonpolyposis colorectal cancer; Familial nonpolyposis colon cancer. Identifiers: Orphanet 443909, MedGen C1333990, MONDO:0018630. Disease mechanism: loss of function.
Hereditary cancer-predisposing syndrome. Also called: Hereditary neoplastic syndrome; Neoplastic Syndromes, Hereditary; Tumor predisposition; Hereditary Cancer Syndrome. Identifiers: Orphanet 140162, MedGen C0027672, MeSH D009386, MONDO:0015356.
Lynch syndrome 5 (LYNCH5). Also called: Hereditary non-polyposis colorectal cancer, type 5; Colorectal cancer, hereditary nonpolyposis, type 5. Identifiers: Orphanet 144, MedGen C1833477, MONDO:0013710, OMIM 614350. Disease mechanism: loss of function.

Submissions (3):

Ambry Genetics
Classification: Pathogenic for Hereditary cancer-predisposing syndrome. Last evaluated: 2025-07-07. Review status: criteria provided, single submitter. Criteria: Ambry Variant Classification Scheme 2023. Collection method: clinical testing. Allele origin: germline.
Comment: The c.2437_2440delAAGAinsTT pathogenic mutation, located in coding exon 4 of the MSH6 gene, results from the deletion of 4 nucleotides and insertion of two nucleotides causing a translational frameshift with a predicted alternate stop codon (p.K813Lfs*6). This variant is considered to be rare based on population cohorts in the Genome Aggregation Database (gnomAD). This alteration is expected to result in loss of function by premature protein truncation or nonsense-mediated mRNA decay. As such, this alteration is interpreted as a disease-causing mutation.

Myriad Genetics, Inc.
Classification: Pathogenic for Lynch syndrome 5. Last evaluated: 2023-08-17. Review status: criteria provided, single submitter. Criteria: Myriad Autosomal Dominant, Autosomal Recessive and X-Linked Classification Criteria (2023). Collection method: clinical testing. Allele origin: unknown.
Comment: This variant is considered pathogenic. This variant creates a frameshift predicted to result in premature protein truncation.

Women's Health and Genetics/Laboratory Corporation of America, LabCorp
Classification: Likely pathogenic for Hereditary nonpolyposis colon cancer. Last evaluated: 2022-07-19. Review status: criteria provided, single submitter. Criteria: LabCorp Variant Classification Summary - May 2015. Collection method: clinical testing. Allele origin: germline.
Comment: Variant summary: MSH6 c.2437_2440delinsTT (p.Lys813LeufsX6) results in a premature termination codon, predicted to cause a truncation of the encoded protein or absence of the protein due to nonsense mediated decay, which are commonly known mechanisms for disease. Truncations downstream of this position have been classified as pathogenic by our laboratory. The variant was absent in 250118 control chromosomes (gnomAD). To our knowledge, no occurrence of c.2437_2440delinsTT in individuals affected with Lynch Syndrome and no experimental evidence demonstrating its impact on protein function have been reported. No clinical diagnostic laboratories have submitted clinical-significance assessments for this variant to ClinVar after 2014. Based on the evidence outlined above, the variant was classified as likely pathogenic.